The following is an entry in ClinVar:

ClinVar aggregate classification (germline): Uncertain significance (1 of 4 stars; one submission).

gnomAD v4.1: 1 of 1,614,170 alleles (0.000062%); highest among the groups gnomAD compares: Admixed American, 0.0017%; no homozygotes.

Submission:

Labcorp Genetics (formerly Invitae), Labcorp
Classification: Uncertain significance. Last evaluated: 2025-09-03. Review status: criteria provided, single submitter. Criteria: Invitae Variant Classification Sherloc (09022015). Collection method: clinical testing. Allele origin: germline.
Comment: This sequence change replaces leucine, which is neutral and non-polar, with valine, which is neutral and non-polar, at codon 217 of the TNFRSF11A protein (p.Leu217Val). This variant is present in population databases (no rsID available, gnomAD 0.0009%). This variant has not been reported in the literature in individuals affected with TNFRSF11A-related conditions. ClinVar contains an entry for this variant (Variation ID: 2920259). Invitae Evidence Modeling of protein sequence and biophysical properties (such as structural, functional, and spatial information, amino acid conservation, physicochemical variation, residue mobility, and thermodynamic stability) indicates that this missense variant is not expected to disrupt TNFRSF11A protein function with a negative predictive value of 80%. In summary, the available evidence is currently insufficient to determine the role of this variant in disease. Therefore, it has been classified as a Variant of Uncertain Significance.

NM_003839.4(TNFRSF11A):c.649C>G (p.Leu217Val)

Gene: TNFRSF11A (TNF receptor superfamily member 11a; plus strand). Cytogenetic location: 18q21.33.
Variant type: single nucleotide variant.
Coding change: c.649C>G on transcript NM_003839.4 (MANE Select); coding-DNA position 649, C replaced by G.
Protein change: p.Leu217Val; replaces leucine 217 with valine.
Molecular consequence: missense variant. On other transcripts: intron variant (1).
Genome position (GRCh38, 1-based): chr18:62,361,712, C>G. VCF-style: chr18-62361712-C-G. GRCh37 (hg19) VCF-style: chr18-60028945-C-G.
Other names: c.649C>G, p.Leu217Val (NM_001270949.2, NM_001270950.2); c.607C>G, p.Leu203Val (NM_001278268.2); c.616+1663C>G (NM_001270951.2); short protein forms L217V, L203V.
Identifiers: ClinVar variation 2920259 (VCV002920259.3), dbSNP rs1266993565, ClinGen allele CA402614234.
Genomic context (GRCh38, chr18:62,361,712, plus strand): 5'-CCATATTTCTCATTTTCTTCCAATACAGAACCCCATGTTTACTTGCCCGGTTTAATAATT[C>G]TGCTTCTCTTCGCGTCTGTGGCCCTGGTGGCTGCCATCATCTTTGGCGTTTGCTATAGGA-3'
Protein context (NP_003830.1, residues 207-227): PHVYLPGLII[Leu217Val]LLFASVALVA